The following is an entry in ClinVar:

ClinVar aggregate classification (germline): Uncertain significance (1 of 4 stars; one submission).

Allele frequency attached by ClinVar (database versions not stated): TOPMed below 0.00001; ExAC 0.00001.
gnomAD v4.1: 6 of 1,613,658 alleles (0.00037%); highest among the groups gnomAD compares: South Asian, 0.0011%; no homozygotes.

Submission:

Labcorp Genetics (formerly Invitae), Labcorp
Classification: Uncertain significance. Last evaluated: 2024-02-24. Review status: criteria provided, single submitter. Criteria: Invitae Variant Classification Sherloc (09022015). Collection method: clinical testing. Allele origin: germline.
Comment: This sequence change replaces valine, which is neutral and non-polar, with isoleucine, which is neutral and non-polar, at codon 710 of the CCDC88A protein (p.Val710Ile). This variant is present in population databases (rs781643020, gnomAD 0.003%). This variant has not been reported in the literature in individuals affected with CCDC88A-related conditions. ClinVar contains an entry for this variant (Variation ID: 1899956). An algorithm developed to predict the effect of missense changes on protein structure and function (PolyPhen-2) suggests that this variant is likely to be tolerated. In summary, the available evidence is currently insufficient to determine the role of this variant in disease. Therefore, it has been classified as a Variant of Uncertain Significance.

NM_001365480.1(CCDC88A):c.2128G>A (p.Val710Ile)

Gene: CCDC88A (coiled-coil and HOOK domain protein 88A; minus strand). Cytogenetic location: 2p16.1.
Variant type: single nucleotide variant.
Coding change: c.2128G>A on transcript NM_001365480.1 (MANE Select); coding-DNA position 2128, G replaced by A.
Protein change: p.Val710Ile; replaces valine 710 with isoleucine.
Molecular consequence: missense variant.
Genome position (GRCh38, 1-based): chr2:55,334,693, C>T on the plus strand (G>A on the coding strand, the complement: CCDC88A is on the minus strand). VCF-style: chr2-55334693-C-T. GRCh37 (hg19) VCF-style: chr2-55561829-C-T.
Other names: c.2128G>A, p.Val710Ile (NM_001135597.2, NM_001254943.2, NM_018084.5); short protein forms V710I.
Identifiers: ClinVar variation 1899956 (VCV001899956.5), dbSNP rs781643020, ClinGen allele CA1666028.
Genomic context (GRCh38, chr2:55,334,693, plus strand): 5'-GTTCTTTGTTTTCTAGCTGTAGCTGAGCCATTTTCATGCTTGCACACTTCAAAGATTCTA[C>T]ATTCCTTCGCAGTTCTAAGTTTTCCTCATCAAGTTGGGAATTCTCTTTTTCTAGGGATTC-3'
Protein context (NP_001352409.1, residues 700-720): DEENLELRRN[Val710Ile]ESLKCASMKM